The following is an entry in ClinVar:

ClinVar aggregate classification (germline): Likely benign (1 of 4 stars; one submission).

gnomAD v4.1: 100 of 1,612,916 alleles (0.0062%); highest among the groups gnomAD compares: Middle Eastern, 0.68%; 3 homozygotes.

Submission:

CeGaT Center for Human Genetics Tuebingen
Classification: Likely benign. Last evaluated: 2025-06-01. Review status: criteria provided, single submitter. Criteria: CeGaT Center For Human Genetics Tuebingen Variant Classification Criteria Version 2. Collection method: clinical testing. Allele origin: germline. Affected: yes. Observed: 1 variant allele.
Comment: SCNN1A: BP4, BP7

NM_001038.6(SCNN1A):c.-25A>G

Gene: SCNN1A (sodium channel epithelial 1 subunit alpha; minus strand). Cytogenetic location: 12p13.31.
Variant type: single nucleotide variant.
Coding change: c.-25A>G on transcript NM_001038.6 (MANE Select); 25 bases upstream of the start codon, A replaced by G.
Molecular consequence: 5 prime UTR variant. On other transcripts: synonymous variant (2).
Genome position (GRCh38, 1-based): chr12:6,374,808, T>C on the plus strand (A>G on the coding strand, the complement: SCNN1A is on the minus strand). VCF-style: chr12-6374808-T-C. GRCh37 (hg19) VCF-style: chr12-6483974-T-C.
Other names: c.45A>G, p.Arg15= (NM_001159575.2); c.153A>G, p.Arg51= (NM_001159576.2).
Identifiers: ClinVar variation 4083618 (VCV004083618.8).